The following is an entry in ClinVar:

NM_000290.4(PGAM2):c.422G>A (p.Arg141Gln)

Genes: DBNL (drebrin like; plus strand), PGAM2 (phosphoglycerate mutase 2; minus strand). Cytogenetic location: 7p13.
Variant type: single nucleotide variant.
Coding change: c.422G>A on transcript NM_000290.4 (MANE Select); coding-DNA position 422, G replaced by A.
Protein change: p.Arg141Gln; replaces arginine 141 with glutamine.
Molecular consequence: missense variant. On other transcripts: 3 prime UTR variant (6).
Genome position (GRCh38, 1-based): chr7:44,065,005, C>T on the plus strand (G>A on the coding strand, the complement: PGAM2 is on the minus strand). VCF-style: chr7-44065005-C-T. GRCh37 (hg19) VCF-style: chr7-44104604-C-T.
Other names: c.*4089C>T (NM_001014436.3, NM_001122956.2, NM_001284313.2 and 3 more transcripts); short protein forms R141Q.
Identifiers: ClinVar variation 2194940 (VCV002194940.4), dbSNP rs144310510, ClinGen allele CA4236577.

ClinVar aggregate classification (germline): Uncertain significance (1 of 4 stars; one submission).

Conditions:
Glycogen storage disease type X (GSD10). Also called: MYOPATHY DUE TO PHOSPHOGLYCERATE MUTASE DEFICIENCY; PGAMM DEFICIENCY; PHOSPHOGLYCERATE MUTASE, MUSCLE, DEFICIENCY OF; Dimauro disease; Glycogen storage disease due to phosphoglycerate mutase deficiency; GSD X. Identifiers: Orphanet 97234, MedGen C0268149, MONDO:0009865, OMIM 261670.

Allele frequency attached by ClinVar (database versions not stated): TOPMed below 0.00001; ExAC 0.00004; gnomAD 0.00005; 1000 Genomes Project 30x 0.00031; 1000 Genomes Project 0.00040.
gnomAD v4.1: 27 of 1,606,222 alleles (0.0017%); highest among the groups gnomAD compares: Middle Eastern, 0.017%; no homozygotes.

Submission:

Labcorp Genetics (formerly Invitae), Labcorp
Classification: Uncertain significance for Glycogen storage disease type X. Last evaluated: 2024-02-23. Review status: criteria provided, single submitter. Criteria: Invitae Variant Classification Sherloc (09022015). Collection method: clinical testing. Allele origin: germline.
Comment: This sequence change replaces arginine, which is basic and polar, with glutamine, which is neutral and polar, at codon 141 of the PGAM2 protein (p.Arg141Gln). This variant is present in population databases (rs144310510, gnomAD 0.004%). This variant has not been reported in the literature in individuals affected with PGAM2-related conditions. ClinVar contains an entry for this variant (Variation ID: 2194940). An algorithm developed to predict the effect of missense changes on protein structure and function (PolyPhen-2) suggests that this variant is likely to be disruptive. In summary, the available evidence is currently insufficient to determine the role of this variant in disease. Therefore, it has been classified as a Variant of Uncertain Significance.